The following is an entry in ClinVar:

NM_001282531.3(ADNP):c.1018G>A (p.Gly340Ser)

Gene: ADNP (activity dependent neuroprotector homeobox; minus strand). Cytogenetic location: 20q13.13.
Variant type: single nucleotide variant.
Coding change: c.1018G>A on transcript NM_001282531.3 (MANE Select); coding-DNA position 1018, G replaced by A.
Protein change: p.Gly340Ser; replaces glycine 340 with serine.
Molecular consequence: missense variant.
Genome position (GRCh38, 1-based): chr20:50,893,696, C>T on the plus strand (G>A on the coding strand, the complement: ADNP is on the minus strand). VCF-style: chr20-50893696-C-T. GRCh37 (hg19) VCF-style: chr20-49510233-C-T.
Other names: c.1018G>A, p.Gly340Ser (NM_001282532.2, NM_001347511.2, NM_015339.5 and 1 more transcripts); short protein forms G340S.
Identifiers: ClinVar variation 2394865 (VCV002394865.21), dbSNP rs757837763, ClinGen allele CA9908799.
Genomic context (GRCh38, chr20:50,893,696, plus strand): 5'-GAATGGAAACTGGTGCGTTGCCACCTAGACCCAGTCTCATTGACTGACCAACACTGTAAC[C>T]CTGGCCTACAGATTTGACTCCATAGTTGTTCTGCTGCAGATGAACACTGGACATCATGTT-3'
Protein context (NP_001269460.1, residues 330-350): NNYGVKSVGQ[Gly340Ser]YSVGQSMRLG

ClinVar aggregate classification (germline): Conflicting classifications of pathogenicity. Review status: criteria provided, conflicting classifications (1 of 4 stars). 4 submissions from 4 submitters: Uncertain significance (1); Benign (1); Likely benign (2). Last evaluated 2024-11-01.

Conditions:
Inborn genetic diseases. Identifiers: MedGen C0950123, MeSH D030342.

Allele frequency attached by ClinVar (database versions not stated): gnomAD exomes 0.00001; ExAC 0.00002; TOPMed 0.00002.
gnomAD v4.1: 11 of 1,614,102 alleles (0.00068%); highest among the groups gnomAD compares: Middle Eastern, 0.049%; no homozygotes.

Submissions (4):

CeGaT Center for Human Genetics Tuebingen
Classification: Likely benign. Last evaluated: 2024-11-01. Review status: criteria provided, single submitter. Criteria: CeGaT Center For Human Genetics Tuebingen Variant Classification Criteria Version 2. Collection method: clinical testing. Allele origin: germline. Affected: yes. Observed: 1 variant allele.
Comment: ADNP: BP4, BS2

Labcorp Genetics (formerly Invitae), Labcorp
Classification: Benign. Last evaluated: 2024-09-23. Review status: criteria provided, single submitter. Criteria: Invitae Variant Classification Sherloc (09022015). Collection method: clinical testing. Allele origin: germline.

Women's Health and Genetics/Laboratory Corporation of America, LabCorp
Classification: Uncertain significance. Last evaluated: 2024-03-13. Review status: criteria provided, single submitter. Criteria: LabCorp Variant Classification Summary - May 2015. Collection method: clinical testing. Allele origin: germline.
Comment: Variant summary: ADNP c.1018G>A (p.Gly340Ser) results in a non-conservative amino acid change in the encoded protein sequence. Four of five in-silico tools predict a benign effect of the variant on protein function. The variant allele was found at a frequency of 2e-05 in 251204 control chromosomes (gnomAD). The available data on variant occurrences in the general population are insufficient to allow any conclusion about variant significance. To our knowledge, no occurrence of c.1018G>A in individuals affected with ADNP-Related Multiple Congenital Anomalies-Intellectual Disability-Autism Spectrum Disorder and no experimental evidence demonstrating its impact on protein function have been reported. ClinVar contains an entry for this variant (Variation ID: 2394865). Based on the evidence outlined above, the variant was classified as uncertain significance.

Ambry Genetics
Classification: Likely benign for Inborn genetic diseases. Last evaluated: 2021-06-18. Review status: criteria provided, single submitter. Criteria: Ambry Variant Classification Scheme 2023. Collection method: clinical testing. Allele origin: germline.